The following is an entry in ClinVar:

ClinVar aggregate classification (germline): Conflicting classifications of pathogenicity. Review status: criteria provided, conflicting classifications (1 of 4 stars). 2 submissions from 2 submitters: Likely pathogenic (1); Uncertain significance (1). Last evaluated 2025-02-04.

Conditions:
RASopathy. Also called: rasopathies; Noonan spectrum disorder. Identifiers: Orphanet 536391, MedGen C5555857, MONDO:0021060.
Epilepsy, early-onset. Identifiers: MedGen CN376792, MONDO:0957599.

Allele frequency attached by ClinVar (database versions not stated): TOPMed below 0.00001.

Submissions (2):

Labcorp Genetics (formerly Invitae), Labcorp
Classification: Likely pathogenic for RASopathy. Last evaluated: 2025-02-04. Review status: criteria provided, single submitter. Criteria: Invitae Variant Classification Sherloc (09022015). Collection method: clinical testing. Allele origin: germline.
Comment: This sequence change replaces histidine, which is basic and polar, with tyrosine, which is neutral and polar, at codon 398 of the CBL protein (p.His398Tyr). This variant is not present in population databases (gnomAD no frequency). This variant has not been reported in the literature in individuals affected with CBL-related conditions. ClinVar contains an entry for this variant (Variation ID: 1696465). Invitae Evidence Modeling of protein sequence and biophysical properties (such as structural, functional, and spatial information, amino acid conservation, physicochemical variation, residue mobility, and thermodynamic stability) indicates that this missense variant is expected to disrupt CBL protein function with a positive predictive value of 95%. Experimental studies have shown that this missense change affects CBL function (PMID: 19387008). This variant disrupts the p.His398 amino acid residue in CBL. Other variant(s) that disrupt this residue have been determined to be pathogenic (internal data). This suggests that this residue is clinically significant, and that variants that disrupt this residue are likely to be disease-causing. In summary, the currently available evidence indicates that the variant is pathogenic, but additional data are needed to prove that conclusively. Therefore, this variant has been classified as Likely Pathogenic.

New York Genome Center
Classification: Uncertain significance for Early-onset epilepsy. Last evaluated: 2021-08-06. Review status: criteria provided, single submitter. Criteria: NYGC Assertion Criteria 2020. Collection method: clinical testing. Allele origin: de novo. Observed: 1 heterozygote. Study: CSER-NYCKidSeq.

Literature cited by the submitters: PubMed 19387008 (cited by Labcorp Genetics (formerly Invitae), Labcorp).

NM_005188.4(CBL):c.1192C>T (p.His398Tyr)

Gene: CBL (Cbl proto-oncogene; plus strand). Cytogenetic location: 11q23.3.
Variant type: single nucleotide variant.
Coding change: c.1192C>T on transcript NM_005188.4 (MANE Select); coding-DNA position 1192, C replaced by T.
Protein change: p.His398Tyr; replaces histidine 398 with tyrosine.
Molecular consequence: missense variant.
Genome position (GRCh38, 1-based): chr11:119,278,262, C>T. VCF-style: chr11-119278262-C-T. GRCh37 (hg19) VCF-style: chr11-119148972-C-T.
Other names: short protein forms H398Y.
Identifiers: ClinVar variation 1696465 (VCV001696465.2), dbSNP rs946817829, ClinGen allele CA229661898.